The following is an entry in ClinVar:

NM_001384732.1(CPLANE1):c.8792+1G>T

Gene: CPLANE1 (ciliogenesis and planar polarity effector complex subunit 1; minus strand). Cytogenetic location: 5p13.2.
Variant type: single nucleotide variant.
Coding change: c.8792+1G>T on transcript NM_001384732.1 (MANE Select); the canonical splice donor site of the intron after coding-DNA position 8792, G replaced by T.
Molecular consequence: splice donor variant.
Genome position (GRCh38, 1-based): chr5:37,138,719, C>A on the plus strand (G>T on the coding strand, the complement: CPLANE1 is on the minus strand). VCF-style: chr5-37138719-C-A. GRCh37 (hg19) VCF-style: chr5-37138821-C-A.
Other names: NC_000005.9:g.37138821C>A; c.8630+1G>T (NM_023073.4).
Identifiers: ClinVar variation 280579 (VCV000280579.3), dbSNP rs886041757, ClinGen allele CA10602957.

ClinVar aggregate classification (germline): Pathogenic (1 of 4 stars; one submission).

Allele frequency attached by ClinVar (database versions not stated): gnomAD 0.00001.
gnomAD v4.1: 1 of 1,603,548 alleles (0.000062%); highest among the groups gnomAD compares: African/African-American, 0.0013%; no homozygotes.

Submissions (2):

GeneDx
Classification: Pathogenic. Last evaluated: 2016-05-06. Review status: criteria provided, single submitter. Criteria: GeneDx Variant Classification (06012015). Collection method: clinical testing. Allele origin: germline. Affected: yes.
Comment: The c.8630+1G>T pathogenic variant in the C5orf42 gene has not been reported previously as a pathogenic variant nor as a benign variant, to our knowledge. This splice site variant destroys the canonical splice donor site in intron 45. It is predicted to cause abnormal gene splicing resulting in an in-frame protein product with an abnormal message. The c.8630+1G>T variant was not observed in approximately 6500 individuals of European and African American ancestry in the NHLBI Exome Sequencing Project, indicating it is not a common benign variant in these populations. We interpret c.8630+1G>T as a pathogenic variant.

Dr. Peter K. Rogan Lab, Western University
No classification provided (evidence only). Condition: Thyroid cancer, nonmedullary, 1. Review status: no classification provided. Collection method: in vitro. Allele origin: not applicable. Functional consequence: retained intron. Not counted in ClinVar's aggregate classification.